The following is an entry in ClinVar:

ClinVar aggregate classification (germline): Uncertain significance (1 of 4 stars; one submission).

Conditions:
Osteogenesis imperfecta type I (OI1). Also called: Lobstein's Disease; OI, TYPE I; OSTEOGENESIS IMPERFECTA TARDA; OSTEOGENESIS IMPERFECTA WITH BLUE SCLERAE; Osteogenesis imperfecta type 1; Lobstein disease. Identifiers: Orphanet 216796, Orphanet 666, MedGen C0023931, MONDO:0008146, OMIM 166200. Disease mechanism: loss of function.

Submission:

Labcorp Genetics (formerly Invitae), Labcorp
Classification: Uncertain significance for Osteogenesis imperfecta type I. Last evaluated: 2022-08-23. Review status: criteria provided, single submitter. Criteria: Invitae Variant Classification Sherloc (09022015). Collection method: clinical testing. Allele origin: germline.
Comment: Experimental studies and prediction algorithms are not available or were not evaluated, and the functional significance of this variant is currently unknown. This variant has not been reported in the literature in individuals affected with COL1A1-related conditions. This variant results in a copy number gain of the genomic region encompassing exon(s) 35 of the COL1A1 gene. While the exact position of this variant cannot be determined from the data, sub-genic copy number gains are generally in tandem (PMID: 25640679). This variant is predicted to be in-frame, and likely preserves the integrity of the reading frame. In summary, the available evidence is currently insufficient to determine the role of this variant in disease. Therefore, it has been classified as a Variant of Uncertain Significance.

Literature cited by the submitters: PubMed 25640679.

NC_000017.11:g.(?_50190233)_(50190390_?)dup

Gene: COL1A1 (collagen type I alpha 1 chain; minus strand). Cytogenetic location: 17q21.33.
Variant type: Duplication.
Identifiers: ClinVar variation 833502 (VCV000833502.4).